The following is an entry in ClinVar:

ClinVar aggregate classification (germline): Pathogenic (1 of 4 stars; one submission).

Conditions:
Mucolipidosis type IV (ML4). Also called: ML IV. Identifiers: Orphanet 578, MedGen C0238286, MONDO:0009653, OMIM 252650.

Submission:

Myriad Genetics, Inc.
Classification: Pathogenic for Mucolipidosis type IV. Last evaluated: 2025-01-03. Review status: criteria provided, single submitter. Criteria: Myriad Autosomal Dominant, Autosomal Recessive and X-Linked Classification Criteria (2023). Collection method: clinical testing. Allele origin: unknown.
Comment: NM_020533.2(MCOLN1):c.1286delG(C429Sfs*24) is expected to be pathogenic in the context of mucolipidosis IV. This variant is predicted to lead to an abnormal or absent protein product due to the creation of a premature termination codon in MCOLN1, a gene where loss-of-function variants are known to be pathogenic. Please note: this variant was assessed in the context of healthy population screening.

NM_020533.3(MCOLN1):c.1286del (p.Cys429fs)

Gene: MCOLN1 (mucolipin TRP cation channel 1; plus strand). Cytogenetic location: 19p13.2.
Variant type: Deletion.
Coding change: c.1286del on transcript NM_020533.3 (MANE Select); coding-DNA position 1286, one base deleted (G; older notation c.1286delG).
Protein change: p.Cys429fs; shifts the reading frame from cysteine 429.
Molecular consequence: frameshift variant.
Genome position (GRCh38, 1-based): chr19:7,529,639, G deleted. VCF-style (leftmost placement, unchanged base first): chr19-7529638-TG-T. GRCh37 (hg19) VCF-style: chr19-7594524-TG-T.
Other names: short protein forms C429fs.
Identifiers: ClinVar variation 5013914 (VCV005013914.1).
Genomic context (GRCh38, chr19:7,529,638, plus strand): 5'-GCCCCAACCCAGATCCTCATCGCCACACTGCGGGTGGCCCTGCCCAGCGTCATGCGCTTC[TG>T]CTGCTGCGTGGCTGTCATCTACCTGGGCTACTGCTTCTGTGGCTGGATCGTGCTGGGGCC-3'